The following is an entry in ClinVar:

ClinVar aggregate classification (germline): Uncertain significance (1 of 4 stars; one submission).

Allele frequency attached by ClinVar (database versions not stated): gnomAD exomes 0.00004; ExAC 0.00012; ESP Exome Variant Server 0.00031; gnomAD 0.00042; 1000 Genomes Project 30x 0.00047; TOPMed 0.00053; 1000 Genomes Project 0.00060.
gnomAD v4.1: 108 of 1,274,694 alleles (0.0085%); highest among the groups gnomAD compares: African/African-American, 0.15%; no homozygotes.

Submission:

Labcorp Genetics (formerly Invitae), Labcorp
Classification: Uncertain significance. Last evaluated: 2025-10-21. Review status: criteria provided, single submitter. Criteria: Invitae Variant Classification Sherloc (09022015). Collection method: clinical testing. Allele origin: germline.
Comment: This sequence change replaces glycine, which is neutral and non-polar, with aspartic acid, which is acidic and polar, at codon 200 of the CEP89 protein (p.Gly200Asp). This variant is present in population databases (rs368677926, gnomAD 0.1%), and has an allele count higher than expected for a pathogenic variant. This variant has not been reported in the literature in individuals affected with CEP89-related conditions. ClinVar contains an entry for this variant (Variation ID: 2052063). An algorithm developed to predict the effect of missense changes on protein structure and function outputs the following: PolyPhen-2: "Benign". The aspartic acid amino acid residue is found in multiple mammalian species, which suggests that this missense change does not adversely affect protein function. In summary, the available evidence is currently insufficient to determine the role of this variant in disease. Therefore, it has been classified as a Variant of Uncertain Significance.

NM_032816.5(CEP89):c.599G>A (p.Gly200Asp)

Gene: CEP89 (centrosomal protein 89; minus strand). Cytogenetic location: 19q13.11.
Variant type: single nucleotide variant.
Coding change: c.599G>A on transcript NM_032816.5 (MANE Select); coding-DNA position 599, G replaced by A.
Protein change: p.Gly200Asp; replaces glycine 200 with aspartic acid.
Molecular consequence: missense variant.
Genome position (GRCh38, 1-based): chr19:32,939,882, C>T on the plus strand (G>A on the coding strand, the complement: CEP89 is on the minus strand). VCF-style: chr19-32939882-C-T. GRCh37 (hg19) VCF-style: chr19-33430788-C-T.
Other names: short protein forms G200D.
Identifiers: ClinVar variation 2052063 (VCV002052063.4), dbSNP rs368677926, ClinGen allele CA9359581.